The following is an entry in ClinVar:

NM_002334.4(LRP4):c.3472C>T (p.Arg1158Trp)

Gene: LRP4 (LDL receptor related protein 4; minus strand). Cytogenetic location: 11p11.2.
Variant type: single nucleotide variant.
Coding change: c.3472C>T on transcript NM_002334.4 (MANE Select); coding-DNA position 3472, C replaced by T.
Protein change: p.Arg1158Trp; replaces arginine 1158 with tryptophan.
Molecular consequence: missense variant.
Genome position (GRCh38, 1-based): chr11:46,876,530, G>A on the plus strand (C>T on the coding strand, the complement: LRP4 is on the minus strand). VCF-style: chr11-46876530-G-A. GRCh37 (hg19) VCF-style: chr11-46898081-G-A.
Other names: short protein forms R1158W.
Identifiers: ClinVar variation 304870 (VCV000304870.6), dbSNP rs886048351, ClinGen allele CA10630983.
Genomic context (GRCh38, chr11:46,876,530, plus strand): 5'-TCTCATGGTACAGTACGATGGCCCGGGGACTGTCAAGGTTCTGCCACACCAACACTTTCC[G>A]CATGGACCCGTCCAGGTTGCCCACTTCAATCCGGTTTGTTCCCGTGTCTGTCCAGTATAC-3'
Protein context (NP_002325.2, residues 1148-1168): IEVGNLDGSM[Arg1158Trp]KVLVWQNLDS

ClinVar aggregate classification (germline): Conflicting classifications of pathogenicity. Review status: criteria provided, conflicting classifications (1 of 4 stars). 2 submissions from 2 submitters: Likely pathogenic (1); Uncertain significance (1). Last evaluated 2022-08-16.

Conditions:
Cenani-Lenz syndactyly syndrome. Also called: CENANI SYNDACTYLISM; SYNDACTYLY, TYPE VII. Identifiers: Orphanet 3258, MedGen C1859309, MONDO:0008931, OMIM 212780.

gnomAD v4.1: 5 of 1,614,140 alleles (0.00031%); highest among the groups gnomAD compares: Non-Finnish European, 0.00042%; no homozygotes.

Submissions (2):

Institute of Human Genetics, University of Leipzig Medical Center
Classification: Likely pathogenic for Cenani-Lenz syndactyly syndrome. Last evaluated: 2022-08-16. Review status: criteria provided, single submitter. Criteria: ACMG Guidelines, 2015. Collection method: clinical testing. Allele origin: maternal. Affected: yes.
Comment: This variant was identified as homozygous._x000D_ Criteria applied: PM1, PM2_SUP, PM3_SUP, PP3, PP4

Illumina Laboratory Services, Illumina
Classification: Uncertain significance for Cenani-Lenz syndactyly syndrome. Last evaluated: 2018-01-12. Review status: criteria provided, single submitter. Criteria: ICSL Variant Classification Criteria 13 December 2019. Collection method: clinical testing. Allele origin: germline.